The following is an entry in ClinVar:

NM_000540.3(RYR1):c.12659_12670del (p.Val4220_Glu4223del)

Gene: RYR1 (ryanodine receptor 1; plus strand). Cytogenetic location: 19q13.2.
Variant type: Deletion.
Coding change: c.12659_12670del on transcript NM_000540.3 (MANE Select); coding-DNA positions 12659 to 12670, 12 bases deleted (TGGTGAACGAGG).
Protein change: p.Val4220_Glu4223del.
Molecular consequence: inframe deletion.
Genome position (GRCh38, 1-based): chr19:38,564,993-38,565,004, TGGTGAACGAGG deleted; deleting any 12 consecutive bases within chr19:38,564,992-38,565,004 gives the same sequence; the c. name uses the placement nearest the transcript's 3' end. VCF-style (leftmost placement, unchanged base first): chr19-38564991-CGTGGTGAACGAG-C. GRCh37 (hg19) VCF-style: chr19-39055631-CGTGGTGAACGAG-C.
Other names: c.12644_12655del, p.Val4215_Glu4218del (NM_001042723.2); c.12659_12670del (NM_000540.2).
Identifiers: ClinVar variation 1052806 (VCV001052806.6), dbSNP rs2145843128, ClinGen allele CA2499225480.

ClinVar aggregate classification (germline): Uncertain significance. Review status: criteria provided, multiple submitters, no conflicts (2 of 4 stars). 2 submissions from 2 submitters: Uncertain significance (2). Last evaluated 2023-07-02.

Conditions:
RYR1-related disorder. Also called: RYR1-related condition; RYR1-related disorders. Identifiers: MedGen CN239331.

Submissions (2):

GeneDx
Classification: Uncertain significance. Last evaluated: 2023-07-02. Review status: criteria provided, single submitter. Criteria: GeneDx Variant Classification Process June 2021. Collection method: clinical testing. Allele origin: germline. Affected: yes.
Comment: Not observed at significant frequency in large population cohorts (gnomAD); In-frame deletion of 4 amino acids in a non-repeat region; In silico analysis supports that this variant does not alter protein structure/function; Has not been previously published as pathogenic or benign to our knowledge

Labcorp Genetics (formerly Invitae), Labcorp
Classification: Uncertain significance for RYR1-related disorder. Last evaluated: 2023-04-28. Review status: criteria provided, single submitter. Criteria: Invitae Variant Classification Sherloc (09022015). Collection method: clinical testing. Allele origin: germline.
Comment: In summary, the available evidence is currently insufficient to determine the role of this variant in disease. Therefore, it has been classified as a Variant of Uncertain Significance. Experimental studies and prediction algorithms are not available or were not evaluated, and the functional significance of this variant is currently unknown. ClinVar contains an entry for this variant (Variation ID: 1052806). This variant has not been reported in the literature in individuals affected with RYR1-related conditions. This variant is not present in population databases (gnomAD no frequency). This variant, c.12659_12670del, results in the deletion of 4 amino acid(s) of the RYR1 protein (p.Val4220_Glu4223del), but otherwise preserves the integrity of the reading frame.